The following is an entry in ClinVar:

NM_001267550.2(TTN):c.64785T>C (p.Tyr21595=)

Genes: TTN (titin; minus strand), TTN-AS1 (TTN antisense RNA 1; plus strand). Cytogenetic location: 2q31.2.
Variant type: single nucleotide variant.
Coding change: c.64785T>C on transcript NM_001267550.2 (MANE Select); coding-DNA position 64785, T replaced by C.
Protein change: p.Tyr21595=; no amino-acid change (tyrosine 21595 retained).
Molecular consequence: synonymous variant. On other transcripts: non-coding transcript variant (1).
Genome position (GRCh38, 1-based): chr2:178,584,856, A>G on the plus strand (T>C on the coding strand, the complement: TTN is on the minus strand). VCF-style: chr2-178584856-A-G. GRCh37 (hg19) VCF-style: chr2-179449583-A-G.
Other names: c.59862T>C, p.Tyr19954= (NM_001256850.1); c.37590T>C, p.Tyr12530= (NM_003319.4); c.57081T>C, p.Tyr19027= (NM_133378.4); c.37965T>C, p.Tyr12655= (NM_133432.3); c.38166T>C, p.Tyr12722= (NM_133437.4).
Identifiers: ClinVar variation 283720 (VCV000283720.19), dbSNP rs751009684, ClinGen allele CA1991838.

ClinVar aggregate classification (germline): Conflicting classifications of pathogenicity. Review status: criteria provided, conflicting classifications (1 of 4 stars). 4 submissions from 4 submitters: Uncertain significance (1); Likely benign (3). Last evaluated 2025-12-01.

Conditions:
Cardiovascular phenotype. Identifiers: MedGen CN230736.
Autosomal recessive limb-girdle muscular dystrophy type 2J (LGMDR10). Also called: Limb-girdle muscular dystrophy, type 2J; MUSCULAR DYSTROPHY, LIMB-GIRDLE, AUTOSOMAL RECESSIVE 10. Identifiers: Orphanet 140922, MedGen C1837342, MONDO:0012127, OMIM 608807.
Dilated cardiomyopathy 1G (CMD1G). Identifiers: Orphanet 154, MedGen C1858763, MONDO:0011400, OMIM 604145.

Allele frequency attached by ClinVar (database versions not stated): TOPMed below 0.00001; gnomAD 0.00001; gnomAD exomes 0.00001 and 0.00002; ExAC 0.00002.
gnomAD v4.1: 18 of 1,613,216 alleles (0.0011%); highest among the groups gnomAD compares: Admixed American, 0.0033%; no homozygotes.

Submissions (4):

CeGaT Center for Human Genetics Tuebingen
Classification: Likely benign. Last evaluated: 2025-12-01. Review status: criteria provided, single submitter. Criteria: CeGaT Center For Human Genetics Tuebingen Variant Classification Criteria Version 2. Collection method: clinical testing. Allele origin: germline. Affected: yes. Observed: 1 variant allele.
Comment: TTN: BP4, BP7

Labcorp Genetics (formerly Invitae), Labcorp
Classification: Likely benign for Dilated cardiomyopathy 1G; Autosomal recessive limb-girdle muscular dystrophy type 2J. Last evaluated: 2025-11-19. Review status: criteria provided, single submitter. Criteria: Invitae Variant Classification Sherloc (09022015). Collection method: clinical testing. Allele origin: germline.

Ambry Genetics
Classification: Likely benign for Cardiovascular phenotype. Last evaluated: 2022-03-09. Review status: criteria provided, single submitter. Criteria: Ambry Variant Classification Scheme 2023. Collection method: clinical testing. Allele origin: germline.

Eurofins Ntd Llc (ga)
Classification: Uncertain significance. Last evaluated: 2015-10-02. Review status: criteria provided, single submitter. Criteria: EGL Classification Definitions 2015. Collection method: clinical testing. Allele origin: germline. Observed: 1 variant allele, 1 heterozygote.